The following is an entry in ClinVar:

NM_000051.4(ATM):c.8826G>C (p.Gln2942His)

Genes: C11orf65 (chromosome 11 open reading frame 65; minus strand), ATM (ATM serine/threonine kinase; plus strand). Cytogenetic location: 11q22.3.
Variant type: single nucleotide variant.
Coding change: c.8826G>C on transcript NM_000051.4 (MANE Select); coding-DNA position 8826, G replaced by C.
Protein change: p.Gln2942His; replaces glutamine 2942 with histidine.
Molecular consequence: missense variant. On other transcripts: intron variant (2).
Genome position (GRCh38, 1-based): chr11:108,354,850, G>C. VCF-style: chr11-108354850-G-C. GRCh37 (hg19) VCF-style: chr11-108225577-G-C.
Other names: c.8826G>C, p.Gln2942His (NM_001351834.2); c.640+31070C>G (NM_001330368.2); c.695-19558C>G (NM_001351110.2); short protein forms Q2942H.
Identifiers: ClinVar variation 1506245 (VCV001506245.8), dbSNP rs2137351461, ClinGen allele CA382525927.

ClinVar aggregate classification (germline): Uncertain significance (1 of 4 stars; one submission).

Conditions:
Ataxia-telangiectasia syndrome (AT). Also called: LOUIS-BAR SYNDROME; Cerebello-oculocutaneous telangiectasia; Immunodeficiency with ataxia telangiectasia; Ataxia telangiectasia (A-T); Ataxia-telangiectasia, complementation group D; AT, COMPLEMENTATION GROUP C. Identifiers: Orphanet 100, MedGen C0004135, MONDO:0008840, OMIM 208900.

Submission:

Labcorp Genetics (formerly Invitae), Labcorp
Classification: Uncertain significance for Ataxia-telangiectasia syndrome. Last evaluated: 2021-02-01. Review status: criteria provided, single submitter. Criteria: Invitae Variant Classification Sherloc (09022015). Collection method: clinical testing. Allele origin: germline.
Comment: This variant is not present in population databases (ExAC no frequency). This sequence change replaces glutamine with histidine at codon 2942 of the ATM protein (p.Gln2942His). The glutamine residue is moderately conserved and there is a small physicochemical difference between glutamine and histidine. In summary, the available evidence is currently insufficient to determine the role of this variant in disease. Therefore, it has been classified as a Variant of Uncertain Significance. Algorithms developed to predict the effect of missense changes on protein structure and function (SIFT, PolyPhen-2, Align-GVGD) all suggest that this variant is likely to be tolerated, but these predictions have not been confirmed by published functional studies and their clinical significance is uncertain. This variant has not been reported in the literature in individuals with ATM-related conditions.